The following is an entry in ClinVar:

NC_000010.10:g.(?_121435956)_(121436794_?)del

Gene: BAG3 (BAG cochaperone 3; plus strand). Cytogenetic location: 10q26.11.
Variant type: Deletion.
Identifiers: ClinVar variation 1457623 (VCV001457623.7).

ClinVar aggregate classification (germline): Pathogenic (1 of 4 stars; one submission).

Conditions:
Dilated cardiomyopathy 1HH (CMD1HH). Identifiers: Orphanet 154, MedGen C3151293, MONDO:0013479, OMIM 613881.
Myofibrillar myopathy 6. Identifiers: Orphanet 199340, MedGen C2751831, MONDO:0013061, OMIM 612954.

Submission:

Labcorp Genetics (formerly Invitae), Labcorp
Classification: Pathogenic for Dilated cardiomyopathy 1HH; Myofibrillar myopathy 6. Last evaluated: 2024-01-03. Review status: criteria provided, single submitter. Criteria: Invitae Variant Classification Sherloc (09022015). Collection method: clinical testing. Allele origin: germline.
Comment: This variant is a gross deletion of the genomic region encompassing exon(s) 4 of the BAG3 gene, which includes the termination codon. This deletion extends beyond the assayed region for this gene and therefore may encompass additional genes. While this deletion is not anticipated to lead to nonsense mediated decay, it is expected to alter mRNA translation or result in a truncated protein product. A similar copy number variant has been observed in individual(s) with dilated cardiomyopathy (PMID: 21353195). It has also been observed to segregate with disease in related individuals. This variant disrupts the p.Glu455 amino acid residue in BAG3. Other variant(s) that disrupt this residue have been determined to be pathogenic (PMID: 21459883, 25008357). This suggests that this residue is clinically significant, and that variants that disrupt this residue are likely to be disease-causing. For these reasons, this variant has been classified as Pathogenic.

Literature cited by the submitters: PubMed 21353195; PubMed 21459883; PubMed 25008357.